The following is an entry in ClinVar:

NM_001348716.2(KDM6B):c.1439dup (p.Pro481fs)

Gene: KDM6B (lysine demethylase 6B; plus strand). Cytogenetic location: 17p13.1.
Variant type: Duplication.
Coding change: c.1439dup on transcript NM_001348716.2 (MANE Select); coding-DNA position 1439, one base duplicated (C; older notation c.1439dupC).
Protein change: p.Pro481fs; shifts the reading frame from proline 481.
Molecular consequence: frameshift variant.
Genome position (GRCh38, 1-based): chr17:7,847,727, C duplicated; the last of 6 consecutive C bases (chr17:7,847,722-7,847,727); duplicating any one gives the same sequence. VCF-style (leftmost placement, unchanged base first): chr17-7847721-G-GC. GRCh37 (hg19) VCF-style: chr17-7751039-G-GC.
Other names: c.1439dup, p.Pro481fs (NM_001080424.2); c.1439dup (NM_001080424.1); short protein forms P481fs.
Identifiers: ClinVar variation 1704445 (VCV001704445.2), dbSNP rs2544524865, ClinGen allele CA2580094850.

ClinVar aggregate classification (germline): Likely pathogenic. Review status: criteria provided, single submitter (1 of 4 stars). 2 submissions from 2 submitters: Likely pathogenic (1). 1 of the submissions does not count toward it. Last evaluated 2024-10-22.

Conditions:
KDM6B-related disorder. Also called: KDM6B-related condition.
Neurodevelopmental disorder with coarse facies and mild distal skeletal abnormalities. Also called: STOLERMAN NEURODEVELOPMENTAL SYNDROME. Identifiers: MedGen C5193134, MONDO:0032790, OMIM 618505.

Submissions (2):

Rady Children's Institute for Genomic Medicine, Rady Children's Hospital San Diego
Classification: Likely pathogenic for KDM6B-related disorders. Last evaluated: 2024-10-22. Review status: criteria provided, single submitter. Criteria: ACMG Guidelines, 2015. Collection method: clinical testing. Allele origin: germline. Affected: yes.
Comment: This frameshifting variant in exon 11 of 22 is predicted to result in loss of normal protein function through either protein truncation or nonsense-mediated mRNA decay. Loss-of-function variation in KDM6B is an established mechanism of disease (PMID: 31124279). This variant has been previously reported as a de novo heterozygous change in patients with KDM6B-related neurodevelopmental disorder (PMID: 37196654). The c.1439dup (p.Pro481ThrfsTer29) variant is absent from the latest version of the gnomAD population database and thus is presumed to be rare. Based on the available evidence, c.1439dup (p.Pro481ThrfsTer29) is classified as Likely Pathogenic.

Joint Genome Diagnostic Labs from Nijmegen and Maastricht, Radboudumc and MUMC+
Classification: Likely pathogenic for Neurodevelopmental disorder with coarse facies and mild distal skeletal abnormalities. Last evaluated: 2022-09-09. Review status: no assertion criteria provided. Collection method: research. Allele origin: de novo. Affected: yes. Not counted in ClinVar's aggregate classification.